The following is an entry in ClinVar:

ClinVar aggregate classification (germline): Benign/Likely benign. Review status: criteria provided, multiple submitters, no conflicts (2 of 4 stars). 6 submissions from 6 submitters: Benign (5); Likely benign (1). Last evaluated 2026-02-02.

Conditions:
Primary ciliary dyskinesia. Also called: Ciliary dyskinesia. Identifiers: Orphanet 244, MedGen C0008780, MONDO:0016575, HP:0012265.

Allele frequency attached by ClinVar (database versions not stated): 1000 Genomes Project 0.02716; gnomAD 0.02841 and 0.03062; ESP Exome Variant Server 0.02913; 1000 Genomes Project 30x 0.03076; TOPMed 0.03220.

Submissions (6):

Labcorp Genetics (formerly Invitae), Labcorp
Classification: Benign for Primary ciliary dyskinesia. Last evaluated: 2026-02-02. Review status: criteria provided, single submitter. Criteria: Invitae Variant Classification Sherloc (09022015). Collection method: clinical testing. Allele origin: germline.

Mayo Clinic Laboratories, Mayo Clinic
Classification: Benign. Last evaluated: 2023-03-17. Review status: criteria provided, single submitter. Criteria: ACMG Guidelines, 2015. Collection method: clinical testing. Allele origin: germline. Observed: 9 variant alleles.

GeneDx
Classification: Benign. Last evaluated: 2021-05-05. Review status: criteria provided, single submitter. Criteria: GeneDx Variant Classification Process June 2021. Collection method: clinical testing. Allele origin: germline. Affected: yes.

Laboratory for Molecular Medicine, Mass General Brigham Personalized Medicine
Classification: Benign. Last evaluated: 2013-02-21. Review status: criteria provided, single submitter. Criteria: LMM Criteria. Collection method: clinical testing. Allele origin: germline. Observed: 2 variant alleles.
Comment: Arg4096Arg in exon 75 of DNAH11: This variant is not expected to have clinical s ignificance because it does not alter an amino acid residue and is not located w ithin the splice consensus sequence. It has been identified in 9.3% (346/3726) o f African American chromosomes from a broad population by the NHLBI Exome Sequen cing Project (dbSNP rs72658820).

Breakthrough Genomics
Classification: Likely benign. Review status: criteria provided, single submitter. Criteria: ACMG Guidelines, 2015. Collection method: not provided. Allele origin: germline. Inheritance: Autosomal recessive inheritance. Affected: yes.

PreventionGenetics, part of Exact Sciences
Classification: Benign. Review status: criteria provided, single submitter. Criteria: ACMG Guidelines, 2015. Collection method: clinical testing. Allele origin: germline.

NM_001277115.2(DNAH11):c.12288G>A (p.Arg4096=)

Gene: DNAH11 (dynein axonemal heavy chain 11; plus strand). Cytogenetic location: 7p15.3.
Variant type: single nucleotide variant.
Coding change: c.12288G>A on transcript NM_001277115.2 (MANE Select); coding-DNA position 12288, G replaced by A.
Protein change: p.Arg4096=; no amino-acid change (arginine 4096 retained).
Molecular consequence: synonymous variant.
Genome position (GRCh38, 1-based): chr7:21,880,794, G>A. VCF-style: chr7-21880794-G-A. GRCh37 (hg19) VCF-style: chr7-21920412-G-A.
Other names: p.Arg4096=.
Identifiers: ClinVar variation 226580 (VCV000226580.24), dbSNP rs72658820, ClinGen allele CA4183027.
Genomic context (GRCh38, chr7:21,880,794, plus strand): 5'-GTTTAAAAGCATCCTTTTTTCTCTCTGCTACTTCCACGCCTGTGTTGCTGGGAGACTGAG[G>A]TTTGGCCCCCAGGGCTGGAGCCGAAGCTATCCTTTTAATCCTGGAGACCTCACCATTTGT-3'
Protein context (NP_001264044.1, residues 4086-4106): YFHACVAGRL[Arg4096=]FGPQGWSRSY